The following is an entry in ClinVar:

NM_005428.4(VAV1):c.1980T>C (p.His660=)

Gene: VAV1 (vav guanine nucleotide exchange factor 1; plus strand). Cytogenetic location: 19p13.3.
Variant type: single nucleotide variant.
Coding change: c.1980T>C on transcript NM_005428.4 (MANE Select); coding-DNA position 1980, T replaced by C.
Protein change: p.His660=; no amino-acid change (histidine 660 retained).
Molecular consequence: synonymous variant. On other transcripts: intron variant (1).
Genome position (GRCh38, 1-based): chr19:6,837,050, T>C. VCF-style: chr19-6837050-T-C. GRCh37 (hg19) VCF-style: chr19-6837061-T-C.
Other names: c.1884T>C, p.His628= (NM_001258207.2); c.1914+482T>C (NM_001258206.2).
Identifiers: ClinVar variation 774237 (VCV000774237.53), dbSNP rs112350637, ClinGen allele CA9132786.

ClinVar aggregate classification (germline): Benign/Likely benign. Review status: criteria provided, multiple submitters, no conflicts (2 of 4 stars). 4 submissions from 4 submitters: Benign (2); Likely benign (2). Last evaluated 2026-02-01.

Allele frequency attached by ClinVar (database versions not stated): 1000 Genomes Project 30x 0.00297; 1000 Genomes Project 0.00339; TOPMed 0.00567; ESP Exome Variant Server 0.00654; gnomAD 0.00657 and 0.00662; gnomAD exomes 0.00714 and 0.00906; ExAC 0.00750.
gnomAD v4.1: 14,195 of 1,614,004 alleles (0.88%); highest among the groups gnomAD compares: Non-Finnish European, 1%; 75 homozygotes.

Submissions (7):

Labcorp Genetics (formerly Invitae), Labcorp
Classification: Benign. Last evaluated: 2026-02-01. Review status: criteria provided, single submitter. Criteria: Invitae Variant Classification Sherloc (09022015). Collection method: clinical testing. Allele origin: germline.

CeGaT Center for Human Genetics Tuebingen
Classification: Likely benign. Last evaluated: 2024-03-01. Review status: criteria provided, single submitter. Criteria: CeGaT Center For Human Genetics Tuebingen Variant Classification Criteria Version 2. Collection method: clinical testing. Allele origin: germline. Affected: yes. Observed: 6 variant alleles.
Comment: VAV1: BP4, BP7, BS2

ARUP Laboratories, Molecular Genetics and Genomics, ARUP Laboratories
Classification: Benign. Last evaluated: 2023-09-11. Review status: criteria provided, single submitter. Criteria: ARUP Molecular Germline Variant Investigation Process 2024. Collection method: clinical testing. Allele origin: germline.

Breakthrough Genomics
Classification: Likely benign. Review status: criteria provided, single submitter. Criteria: ACMG Guidelines, 2015. Collection method: not provided. Allele origin: germline. Inheritance: Unknown mechanism. Affected: yes.

Dr. Peter K. Rogan Lab, Western University
No classification provided (evidence only). Condition: Clear cell carcinoma of kidney. Review status: no classification provided. Collection method: in vitro. Allele origin: not applicable. Functional consequence: skipped exon, retained intron. Not counted in ClinVar's aggregate classification.

Dr. Peter K. Rogan Lab, Western University
No classification provided (evidence only). Condition: Lung cancer. Review status: no classification provided. Collection method: in vitro. Allele origin: not applicable. Functional consequence: retained intron. Not counted in ClinVar's aggregate classification.

Dr. Peter K. Rogan Lab, Western University
No classification provided (evidence only). Condition: Lung cancer. Review status: no classification provided. Collection method: in vitro. Allele origin: not applicable. Functional consequence: skipped exon. Not counted in ClinVar's aggregate classification.